The following is an entry in ClinVar:

NM_001077350.3(NPRL3):c.1313G>A (p.Ser438Asn)

Genes: HBA-LCR (alpha-globin locus control region; plus strand), NPRL3 (NPR3 like, GATOR1 complex subunit; minus strand). Cytogenetic location: 16p13.3.
Variant type: single nucleotide variant.
Coding change: c.1313G>A on transcript NM_001077350.3 (MANE Select); coding-DNA position 1313, G replaced by A.
Protein change: p.Ser438Asn; replaces serine 438 with asparagine.
Molecular consequence: missense variant.
Genome position (GRCh38, 1-based): chr16:89,751, C>T on the plus strand (G>A on the coding strand, the complement: NPRL3 is on the minus strand). VCF-style: chr16-89751-C-T. GRCh37 (hg19) VCF-style: chr16-139749-C-T.
Other names: c.776G>A, p.Ser259Asn (NM_001039476.3); c.1079G>A, p.Ser360Asn (NM_001243247.2); c.1238G>A, p.Ser413Asn (NM_001243248.2, NM_001243249.2); short protein forms S413N, S438N, S259N, S360N.
Identifiers: ClinVar variation 581760 (VCV000581760.7), dbSNP rs529009740, ClinGen allele CA276458482.

ClinVar aggregate classification (germline): Uncertain significance (1 of 4 stars; one submission).

Conditions:
Epilepsy, familial focal, with variable foci 3 (FFEVF3). Identifiers: MedGen C4310708, MONDO:0014925, OMIM 617118.

Allele frequency attached by ClinVar (database versions not stated): gnomAD 0.00001; gnomAD exomes 0.00001.
gnomAD v4.1: 8 of 1,595,968 alleles (0.0005%); highest among the groups gnomAD compares: Admixed American, 0.0017%; no homozygotes.

Submission:

Labcorp Genetics (formerly Invitae), Labcorp
Classification: Uncertain significance for Epilepsy, familial focal, with variable foci 3. Last evaluated: 2025-11-15. Review status: criteria provided, single submitter. Criteria: Invitae Variant Classification Sherloc (09022015). Collection method: clinical testing. Allele origin: germline.
Comment: This sequence change replaces serine, which is neutral and polar, with asparagine, which is neutral and polar, at codon 438 of the NPRL3 protein (p.Ser438Asn). This variant is not present in population databases (gnomAD no frequency). This variant has not been reported in the literature in individuals affected with NPRL3-related conditions. ClinVar contains an entry for this variant (Variation ID: 581760). Invitae Evidence Modeling of protein sequence and biophysical properties (such as structural, functional, and spatial information, amino acid conservation, physicochemical variation, residue mobility, and thermodynamic stability) indicates that this missense variant is not expected to disrupt NPRL3 protein function with a negative predictive value of 80%. In summary, the available evidence is currently insufficient to determine the role of this variant in disease. Therefore, it has been classified as a Variant of Uncertain Significance.